The following is an entry in ClinVar:

ClinVar aggregate classification (germline): Conflicting classifications of pathogenicity. Review status: criteria provided, conflicting classifications (1 of 4 stars). 2 submissions from 2 submitters: Uncertain significance (1); Likely benign (1). Last evaluated 2025-01-20.

Conditions:
Hereditary cancer-predisposing syndrome. Also called: Tumor predisposition; Neoplastic Syndromes, Hereditary; Hereditary Cancer Syndrome; Hereditary neoplastic syndrome. Identifiers: Orphanet 140162, MedGen C0027672, MeSH D009386, MONDO:0015356.
Ataxia-telangiectasia syndrome (AT). Also called: Ataxia-telangiectasia; Ataxia-telangiectasia, complementation group D; AT, COMPLEMENTATION GROUP C; LOUIS-BAR SYNDROME; Cerebello-oculocutaneous telangiectasia; Immunodeficiency with ataxia telangiectasia. Identifiers: Orphanet 100, MedGen C0004135, MONDO:0008840, OMIM 208900.

Submissions (2):

Labcorp Genetics (formerly Invitae), Labcorp
Classification: Uncertain significance for Ataxia-telangiectasia syndrome. Last evaluated: 2025-01-20. Review status: criteria provided, single submitter. Criteria: Invitae Variant Classification Sherloc (09022015). Collection method: clinical testing. Allele origin: germline.
Comment: This sequence change falls in intron 14 of the ATM gene. It does not directly change the encoded amino acid sequence of the ATM protein. This variant is not present in population databases (gnomAD no frequency). This variant has not been reported in the literature in individuals affected with ATM-related conditions. ClinVar contains an entry for this variant (Variation ID: 490462). Algorithms developed to predict the effect of sequence changes on RNA splicing suggest that this variant may disrupt the consensus splice site. In summary, the available evidence is currently insufficient to determine the role of this variant in disease. Therefore, it has been classified as a Variant of Uncertain Significance.

Color Diagnostics, LLC DBA Color Health
Classification: Likely benign for Hereditary cancer-predisposing syndrome. Last evaluated: 2017-09-26. Review status: criteria provided, single submitter. Criteria: ACMG Guidelines, 2015. Collection method: clinical testing. Allele origin: germline.

NM_000051.4(ATM):c.2251-18T>G

Gene: ATM (ATM serine/threonine kinase; plus strand). Cytogenetic location: 11q22.3.
Variant type: single nucleotide variant.
Coding change: c.2251-18T>G on transcript NM_000051.4 (MANE Select); 18 bases into the intron before coding-DNA position 2251, T replaced by G.
Molecular consequence: intron variant.
Genome position (GRCh38, 1-based): chr11:108,257,463, T>G. VCF-style: chr11-108257463-T-G. GRCh37 (hg19) VCF-style: chr11-108128190-T-G.
Other names: c.2251-18T>G (NM_001351834.2).
Identifiers: ClinVar variation 490462 (VCV000490462.5), dbSNP rs1555075595, ClinGen allele CA658683739.